The following is an entry in ClinVar:

ClinVar aggregate classification (germline): Uncertain significance (1 of 4 stars; one submission).

Conditions:
Long QT syndrome (LQTS). Identifiers: MedGen C0023976, MeSH D008133, MONDO:0002442. Disease mechanism: loss of function. Inheritance: Various modes of inheritance.

Submission:

Labcorp Genetics (formerly Invitae), Labcorp
Classification: Uncertain significance for Long QT syndrome. Last evaluated: 2023-03-14. Review status: criteria provided, single submitter. Criteria: Invitae Variant Classification Sherloc (09022015). Collection method: clinical testing. Allele origin: germline.
Comment: In summary, the available evidence is currently insufficient to determine the role of this variant in disease. Therefore, it has been classified as a Variant of Uncertain Significance. Advanced modeling of protein sequence and biophysical properties (such as structural, functional, and spatial information, amino acid conservation, physicochemical variation, residue mobility, and thermodynamic stability) performed at Invitae indicates that this missense variant is expected to disrupt CACNA1C protein function. This variant has not been reported in the literature in individuals affected with CACNA1C-related conditions. This variant is not present in population databases (gnomAD no frequency). This sequence change replaces asparagine, which is neutral and polar, with serine, which is neutral and polar, at codon 1398 of the CACNA1C protein (p.Asn1398Ser).

NM_000719.7(CACNA1C):c.4193A>G (p.Asn1398Ser)

Gene: CACNA1C (calcium voltage-gated channel subunit alpha1 C; plus strand). Cytogenetic location: 12p13.33.
Variant type: single nucleotide variant.
Coding change: c.4193A>G on transcript NM_000719.7 (MANE Select); coding-DNA position 4193, A replaced by G.
Protein change: p.Asn1398Ser; replaces asparagine 1398 with serine.
Molecular consequence: missense variant.
Genome position (GRCh38, 1-based): chr12:2,655,199, A>G. VCF-style: chr12-2655199-A-G. GRCh37 (hg19) VCF-style: chr12-2764365-A-G.
Other names: c.4337A>G, p.Asn1446Ser (NM_001129827.2, NM_199460.4); c.4259A>G, p.Asn1420Ser (NM_001129829.2); c.4193A>G, p.Asn1398Ser (NM_001129830.3, NM_001129833.2, NM_001129834.2 and 7 more transcripts); c.4277A>G, p.Asn1426Ser (NM_001129831.2); c.4253A>G, p.Asn1418Ser (NM_001129832.2); c.4244A>G, p.Asn1415Ser (NM_001129836.2); c.4160A>G, p.Asn1387Ser (NM_001129837.2, NM_001129838.2, NM_001129846.2 and 1 more transcripts); c.4154A>G, p.Asn1385Ser (NM_001129839.2); and 1 more; short protein forms N1385S, N1415S, N1426S, N1418S, N1395S, N1398S, N1446S, N1387S.
Identifiers: ClinVar variation 2845547 (VCV002845547.3), dbSNP rs2528219319, ClinGen allele CA383374555.